The following is an entry in ClinVar:

NM_006929.5(SKIC2):c.2000T>C (p.Met667Thr)

Gene: SKIC2 (SKI2 subunit of superkiller complex; plus strand). Cytogenetic location: 6p21.33.
Variant type: single nucleotide variant.
Coding change: c.2000T>C on transcript NM_006929.5 (MANE Select); coding-DNA position 2000, T replaced by C.
Protein change: p.Met667Thr; replaces methionine 667 with threonine.
Molecular consequence: missense variant.
Genome position (GRCh38, 1-based): chr6:31,965,811, T>C. VCF-style: chr6-31965811-T-C. GRCh37 (hg19) VCF-style: chr6-31933588-T-C.
Other names: short protein forms M667T.
Identifiers: ClinVar variation 2673049 (VCV002673049.23), dbSNP rs892338498, ClinGen allele CA136910415.

ClinVar aggregate classification (germline): Uncertain significance (1 of 4 stars; one submission).

Allele frequency attached by ClinVar (database versions not stated): gnomAD exomes below 0.00001.
gnomAD v4.1: 4 of 1,611,996 alleles (0.00025%); highest among the groups gnomAD compares: Non-Finnish European, 0.00034%; no homozygotes.

Submission:

CeGaT Center for Human Genetics Tuebingen
Classification: Uncertain significance. Last evaluated: 2023-11-01. Review status: criteria provided, single submitter. Criteria: CeGaT Center For Human Genetics Tuebingen Variant Classification Criteria Version 2. Collection method: clinical testing. Allele origin: germline. Affected: yes. Observed: 1 variant allele.
Comment: SKIC2: PM2